The following is an entry in ClinVar:

NM_001376.5(DYNC1H1):c.3603G>T (p.Arg1201Ser)

Gene: DYNC1H1 (dynein cytoplasmic 1 heavy chain 1; plus strand). Cytogenetic location: 14q32.31.
Variant type: single nucleotide variant.
Coding change: c.3603G>T on transcript NM_001376.5 (MANE Select); coding-DNA position 3603, G replaced by T.
Protein change: p.Arg1201Ser; replaces arginine 1201 with serine.
Molecular consequence: missense variant.
Genome position (GRCh38, 1-based): chr14:101,997,073, G>T. VCF-style: chr14-101997073-G-T. GRCh37 (hg19) VCF-style: chr14-102463410-G-T.
Other names: short protein forms R1201S.
Identifiers: ClinVar variation 180211 (VCV000180211.5), dbSNP rs727505393, ClinGen allele CA185910.

ClinVar aggregate classification (germline): Likely pathogenic. Review status: criteria provided, single submitter (1 of 4 stars). 2 submissions from 2 submitters: Likely pathogenic (1). 1 of the submissions does not count toward it. Last evaluated 2022-06-08.

Conditions:
Autosomal dominant childhood-onset proximal spinal muscular atrophy without contractures. Also called: Spinal muscular atrophy, lower extremity-predominant 1, AD; SPINAL MUSCULAR ATROPHY, CHILDHOOD, PROXIMAL, AUTOSOMAL DOMINANT; KUGELBERG-WELANDER SYNDROME, AUTOSOMAL DOMINANT; SPINAL MUSCULAR ATROPHY, JUVENILE, PROXIMAL, AUTOSOMAL DOMINANT. Identifiers: Orphanet 209341, Orphanet 363447, MedGen C5780022, MONDO:0008026, OMIM 158600.

Submissions (2):

GeneDx
Classification: Likely pathogenic. Last evaluated: 2022-06-08. Review status: criteria provided, single submitter. Criteria: GeneDx Variant Classification Process June 2021. Collection method: clinical testing. Allele origin: germline. Affected: yes.
Comment: Not observed at significant frequency in large population cohorts (gnomAD); In silico analysis supports that this missense variant has a deleterious effect on protein structure/function; Has not been previously published as pathogenic or benign to our knowledge; This variant is associated with the following publications: (PMID: 26100331, 25609763, 25512093)

Mendelics
Classification: Pathogenic for Autosomal dominant childhood-onset proximal spinal muscular atrophy without contractures. Last evaluated: 2024-11-15. Review status: no assertion criteria provided. Collection method: clinical testing. Allele origin: de novo. Affected: yes. Not counted in ClinVar's aggregate classification.